The following is an entry in ClinVar:

NM_198334.3(GANAB):c.199C>A (p.Leu67Ile)

Gene: GANAB (glucosidase II alpha subunit; minus strand). Cytogenetic location: 11q12.3.
Variant type: single nucleotide variant.
Coding change: c.199C>A on transcript NM_198334.3 (MANE Select); coding-DNA position 199, C replaced by A.
Protein change: p.Leu67Ile; replaces leucine 67 with isoleucine.
Molecular consequence: missense variant. On other transcripts: 5 prime UTR variant (4), intron variant (3).
Genome position (GRCh38, 1-based): chr11:62,639,412, G>T on the plus strand (C>A on the coding strand, the complement: GANAB is on the minus strand). VCF-style: chr11-62639412-G-T. GRCh37 (hg19) VCF-style: chr11-62406884-G-T.
Other names: c.199C>A (NM_198335.2, NM_198335.3); c.-93C>A (NM_001329222.2, NM_001329223.2); c.-578C>A (NM_001329224.2, NM_001329225.2); c.199C>A, p.Leu67Ile (NM_198335.4); c.39-4412C>A (NM_001278193.2, NM_001278192.2); c.-40+215C>A (NM_001278194.2); short protein forms L67I.
Identifiers: ClinVar variation 3599904 (VCV003599904.5).
Genomic context (GRCh38, chr11:62,639,412, plus strand): 5'-TCCTGACCTTGGTGACCTCATGGATCAGATGGACCGTGAGGGAATCAGGACCAAGCTGTA[G>T]AGAGTCCAGCAAGGCTCGGTATGGAGAGAGGCCTGGCCGTATGCTTCTCTGTCGCCTGCC-3'
Protein context (NP_938148.1, residues 57-77): LSPYRALLDS[Leu67Ile]QLGPDSLTVH

ClinVar aggregate classification (germline): Conflicting classifications of pathogenicity. Review status: criteria provided, conflicting classifications (1 of 4 stars). 4 submissions from 4 submitters: Uncertain significance (3); Likely benign (1). Last evaluated 2025-09-10.

Conditions:
Inborn genetic diseases. Identifiers: MedGen C0950123, MeSH D030342.
GANAB-related disorder. Also called: GANAB-related condition.
Polycystic kidney disease 3 with or without polycystic liver disease. Also called: Polycystic kidney disease 3; POLYCYSTIC KIDNEY DISEASE, ADULT, TYPE III; Polycystic Kidney and/or Polycystic Liver Disease 3. Identifiers: MedGen C3887964, MONDO:0010916, OMIM 600666.

Submissions (4):

Ambry Genetics
Classification: Likely benign for Inborn genetic diseases. Last evaluated: 2025-09-10. Review status: criteria provided, single submitter. Criteria: Ambry Variant Classification Scheme 2023. Collection method: clinical testing. Allele origin: germline.

PreventionGenetics, part of Exact Sciences
Classification: Uncertain significance for GANAB-related condition. Last evaluated: 2025-08-18. Review status: criteria provided, single submitter. Criteria: ACMG Guidelines, 2015. Collection method: clinical testing. Allele origin: germline.
Comment: The GANAB c.199C>A variant is predicted to result in the amino acid substitution p.Leu67Ile. To our knowledge, this variant has not been reported in the literature. This variant is reported in 0.0087% of alleles in individuals of Latino descent in gnomAD. At this time, the clinical significance of this variant is uncertain due to the absence of conclusive functional and genetic evidence.

Labcorp Genetics (formerly Invitae), Labcorp
Classification: Uncertain significance. Last evaluated: 2025-01-08. Review status: criteria provided, single submitter. Criteria: Invitae Variant Classification Sherloc (09022015). Collection method: clinical testing. Allele origin: germline.
Comment: This sequence change replaces leucine, which is neutral and non-polar, with isoleucine, which is neutral and non-polar, at codon 67 of the GANAB protein (p.Leu67Ile). This variant is present in population databases (rs768435730, gnomAD 0.003%). This variant has not been reported in the literature in individuals affected with GANAB-related conditions. Invitae Evidence Modeling of protein sequence and biophysical properties (such as structural, functional, and spatial information, amino acid conservation, physicochemical variation, residue mobility, and thermodynamic stability) indicates that this missense variant is not expected to disrupt GANAB protein function with a negative predictive value of 95%. In summary, the available evidence is currently insufficient to determine the role of this variant in disease. Therefore, it has been classified as a Variant of Uncertain Significance.

Fulgent Genetics
Classification: Uncertain significance for Polycystic kidney disease 3 with or without polycystic liver disease. Last evaluated: 2024-03-26. Review status: criteria provided, single submitter. Criteria: ACMG Guidelines, 2015. Collection method: clinical testing. Allele origin: germline.